The following is an entry in ClinVar:

ClinVar aggregate classification (germline): Uncertain significance (1 of 4 stars; one submission).

Conditions:
KCNA3-related disorder. Also called: KCNA3-related condition.

Submission:

PreventionGenetics, part of Exact Sciences
Classification: Uncertain significance for KCNA3-related condition. Last evaluated: 2026-07-15. Review status: criteria provided, single submitter. Criteria: ACMG Guidelines, 2015. Collection method: clinical testing. Allele origin: germline.
Comment: The KCNA3 c.250_255dup6 variant is predicted to result in an in-frame duplication (p.Asp84_Arg85dup). To our knowledge, this variant has not been reported in the literature or in a large population database (gnomAD), indicating this variant is rare. At this time, the clinical significance of this variant is uncertain due to the absence of conclusive functional and genetic evidence.

NM_002232.5(KCNA3):c.250_255dup (p.Arg85_Tyr86insAspArg)

Gene: KCNA3 (potassium voltage-gated channel subfamily A member 3; minus strand). Cytogenetic location: 1p13.3.
Variant type: Duplication.
Coding change: c.250_255dup on transcript NM_002232.5 (MANE Select); coding-DNA positions 250 to 255, 6 bases duplicated (GACCGC; older notation c.250_255dupGACCGC).
Protein change: p.Arg85_Tyr86insAspArg.
Molecular consequence: inframe insertion.
Genome position (GRCh38, 1-based): chr1:110,674,555-110,674,560, GCGGTC duplicated on the plus strand (GACCGC on the coding strand, the reverse complement: KCNA3 is on the minus strand); duplicating any 6 consecutive bases within chr1:110,674,555-110,674,562 gives the same sequence; the c. name uses the placement nearest the transcript's 3' end. VCF-style (leftmost placement, unchanged base first): chr1-110674554-A-AGCGGTC. GRCh37 (hg19) VCF-style: chr1-111217176-A-AGCGGTC.
Identifiers: ClinVar variation 4977593 (VCV004977593.1).